The following is an entry in ClinVar:

ClinVar aggregate classification (germline): Uncertain significance. Review status: criteria provided, multiple submitters, no conflicts (2 of 4 stars). 2 submissions from 2 submitters: Uncertain significance (2). Last evaluated 2025-11-04.

Conditions:
Myofibrillar myopathy 5. Also called: Filaminopathy (type); FILAMINOPATHY, AUTOSOMAL DOMINANT. Identifiers: Orphanet 171445, MedGen C1836050, MONDO:0012289, OMIM 609524.
Hypertrophic cardiomyopathy 26. Also called: Cardiomyopathy, familial hypertrophic, 26. Identifiers: Orphanet 75249, MedGen C4310749, MONDO:0014883, OMIM 617047.
Distal myopathy with posterior leg and anterior hand involvement. Also called: WILLIAMS DISTAL MYOPATHY. Identifiers: Orphanet 63273, MedGen C3279722, MONDO:0013550, OMIM 614065.
Cardiovascular phenotype. Identifiers: MedGen CN230736.

Submissions (2):

Ambry Genetics
Classification: Uncertain significance for Cardiovascular phenotype. Last evaluated: 2025-11-04. Review status: criteria provided, single submitter. Criteria: Ambry Variant Classification Scheme 2023. Collection method: clinical testing. Allele origin: germline.
Comment: The p.R490L variant (also known as c.1469G>T), located in coding exon 9 of the FLNC gene, results from a G to T substitution at nucleotide position 1469. The arginine at codon 490 is replaced by leucine, an amino acid with dissimilar properties. This amino acid position is conserved. In addition, this alteration is predicted to be deleterious by in silico analysis. Based on the available evidence, the clinical significance of this variant remains unclear.

Labcorp Genetics (formerly Invitae), Labcorp
Classification: Uncertain significance for Distal myopathy with posterior leg and anterior hand involvement; Myofibrillar myopathy 5; Hypertrophic cardiomyopathy 26. Last evaluated: 2019-02-08. Review status: criteria provided, single submitter. Criteria: Invitae Variant Classification Sherloc (09022015). Collection method: clinical testing. Allele origin: germline.
Comment: In summary, the available evidence is currently insufficient to determine the role of this variant in disease. Therefore, it has been classified as a Variant of Uncertain Significance. Algorithms developed to predict the effect of missense changes on protein structure and function are either unavailable or do not agree on the potential impact of this missense change (SIFT: "Deleterious"; PolyPhen-2: "Probably Damaging"; Align-GVGD: "Class C0"). This variant has not been reported in the literature in individuals with FLNC-related conditions. This variant is not present in population databases (ExAC no frequency). This sequence change replaces arginine with leucine at codon 490 of the FLNC protein (p.Arg490Leu). The arginine residue is highly conserved and there is a moderate physicochemical difference between arginine and leucine.

NM_001458.5(FLNC):c.1469G>T (p.Arg490Leu)

Gene: FLNC (filamin C; plus strand). Cytogenetic location: 7q32.1.
Variant type: single nucleotide variant.
Coding change: c.1469G>T on transcript NM_001458.5 (MANE Select); coding-DNA position 1469, G replaced by T.
Protein change: p.Arg490Leu; replaces arginine 490 with leucine.
Molecular consequence: missense variant.
Genome position (GRCh38, 1-based): chr7:128,840,080, G>T. VCF-style: chr7-128840080-G-T. GRCh37 (hg19) VCF-style: chr7-128480134-G-T.
Other names: c.1469G>T, p.Arg490Leu (NM_001127487.2); short protein forms R490L.
Identifiers: ClinVar variation 837547 (VCV000837547.11), dbSNP rs1046320257, ClinGen allele CA369225620.